The following is an entry in ClinVar:

ClinVar aggregate classification (germline): Uncertain significance. Review status: criteria provided, multiple submitters, no conflicts (2 of 4 stars). 2 submissions from 2 submitters: Uncertain significance (2). Last evaluated 2024-08-22.

Allele frequency attached by ClinVar (database versions not stated): TOPMed 0.00001.

Submissions (2):

Labcorp Genetics (formerly Invitae), Labcorp
Classification: Uncertain significance. Last evaluated: 2024-08-22. Review status: criteria provided, single submitter. Criteria: Invitae Variant Classification Sherloc (09022015). Collection method: clinical testing. Allele origin: germline.
Comment: This sequence change replaces tyrosine, which is neutral and polar, with histidine, which is basic and polar, at codon 215 of the MOCS3 protein (p.Tyr215His). This variant is not present in population databases (gnomAD no frequency). This variant has not been reported in the literature in individuals affected with MOCS3-related conditions. An algorithm developed to predict the effect of missense changes on protein structure and function (PolyPhen-2) suggests that this variant is likely to be disruptive. In summary, the available evidence is currently insufficient to determine the role of this variant in disease. Therefore, it has been classified as a Variant of Uncertain Significance.

Ambry Genetics
Classification: Uncertain significance. Last evaluated: 2023-10-05. Review status: criteria provided, single submitter. Criteria: Ambry Variant Classification Scheme 2023. Collection method: clinical testing. Allele origin: germline.

NM_014484.5(MOCS3):c.643T>C (p.Tyr215His)

Gene: MOCS3 (molybdenum cofactor synthesis 3; plus strand). Cytogenetic location: 20q13.13.
Variant type: single nucleotide variant.
Coding change: c.643T>C on transcript NM_014484.5 (MANE Select); coding-DNA position 643, T replaced by C.
Protein change: p.Tyr215His; replaces tyrosine 215 with histidine.
Molecular consequence: missense variant.
Genome position (GRCh38, 1-based): chr20:50,959,485, T>C. VCF-style: chr20-50959485-T-C. GRCh37 (hg19) VCF-style: chr20-49576022-T-C.
Other names: c.643T>C (NM_014484.3); short protein forms Y215H.
Identifiers: ClinVar variation 2808269 (VCV002808269.4), dbSNP rs1234450616, ClinGen allele CA408983800.